The following is an entry in ClinVar:

NM_001040108.2(MLH3):c.3067A>C (p.Ser1023Arg)

Gene: MLH3 (mutL homolog 3; minus strand). Cytogenetic location: 14q24.3.
Variant type: single nucleotide variant.
Coding change: c.3067A>C on transcript NM_001040108.2 (MANE Select); coding-DNA position 3067, A replaced by C.
Protein change: p.Ser1023Arg; replaces serine 1023 with arginine.
Molecular consequence: missense variant.
Genome position (GRCh38, 1-based): chr14:75,046,589, T>G on the plus strand (A>C on the coding strand, the complement: MLH3 is on the minus strand). VCF-style: chr14-75046589-T-G. GRCh37 (hg19) VCF-style: chr14-75513292-T-G.
Other names: c.3067A>C, p.Ser1023Arg (NM_014381.3); short protein forms S1023R.
Identifiers: ClinVar variation 4860211 (VCV004860211.1).

ClinVar aggregate classification (germline): Uncertain significance (1 of 4 stars; one submission).

Submission:

Ambry Genetics
Classification: Uncertain significance. Last evaluated: 2026-05-18. Review status: criteria provided, single submitter. Criteria: Ambry Variant Classification Scheme 2023. Collection method: clinical testing. Allele origin: germline.
Comment: The p.S1023R variant (also known as c.3067A>C), located in coding exon 1 of the MLH3 gene, results from an A to C substitution at nucleotide position 3067. The serine at codon 1023 is replaced by arginine, an amino acid with dissimilar properties. This amino acid position is conserved. In addition, this alteration is predicted to be tolerated by in silico analysis. Based on the available evidence, the clinical significance of this variant remains unclear.